The following is an entry in ClinVar:

ClinVar aggregate classification (germline): Uncertain significance. Review status: criteria provided, multiple submitters, no conflicts (2 of 4 stars). 2 submissions from 2 submitters: Uncertain significance (2). Last evaluated 2025-08-21.

Conditions:
Inborn genetic diseases. Identifiers: MedGen C0950123, MeSH D030342.

gnomAD v4.1: 40 of 1,598,140 alleles (0.0025%); highest among the groups gnomAD compares: East Asian, 0.049%; no homozygotes.

Submissions (11):

Ambry Genetics
Classification: Uncertain significance for Inborn genetic diseases. Last evaluated: 2025-08-21. Review status: criteria provided, single submitter. Criteria: Ambry Variant Classification Scheme 2023. Collection method: clinical testing. Allele origin: germline.

Labcorp Genetics (formerly Invitae), Labcorp
Classification: Uncertain significance. Last evaluated: 2024-07-04. Review status: criteria provided, single submitter. Criteria: Invitae Variant Classification Sherloc (09022015). Collection method: clinical testing. Allele origin: germline.
Comment: This sequence change replaces glutamic acid, which is acidic and polar, with glutamine, which is neutral and polar, at codon 797 of the RIN2 protein (p.Glu797Gln). This variant is present in population databases (rs555126660, gnomAD 0.1%). This variant has not been reported in the literature in individuals affected with RIN2-related conditions. Experimental studies and prediction algorithms are not available or were not evaluated, and the functional significance of this variant is currently unknown. In summary, the available evidence is currently insufficient to determine the role of this variant in disease. Therefore, it has been classified as a Variant of Uncertain Significance.

Dr. Peter K. Rogan Lab, Western University
No classification provided (evidence only). Condition: Melanoma. Review status: no classification provided. Collection method: in vitro. Allele origin: not applicable. Functional consequence: retained intron. Not counted in ClinVar's aggregate classification.

Dr. Peter K. Rogan Lab, Western University
No classification provided (evidence only). Condition: Familial cancer of breast. Review status: no classification provided. Collection method: in vitro. Allele origin: not applicable. Functional consequence: retained intron. Not counted in ClinVar's aggregate classification.

Dr. Peter K. Rogan Lab, Western University
No classification provided (evidence only). Condition: Malignant lymphoma, large B-cell, diffuse. Review status: no classification provided. Collection method: in vitro. Allele origin: not applicable. Functional consequence: retained intron. Not counted in ClinVar's aggregate classification.

Dr. Peter K. Rogan Lab, Western University
No classification provided (evidence only). Condition: Hepatocellular carcinoma. Review status: no classification provided. Collection method: in vitro. Allele origin: not applicable. Functional consequence: retained intron. Not counted in ClinVar's aggregate classification.

Dr. Peter K. Rogan Lab, Western University
No classification provided (evidence only). Condition: Hepatocellular carcinoma. Review status: no classification provided. Collection method: in vitro. Allele origin: not applicable. Functional consequence: retained intron. Not counted in ClinVar's aggregate classification.

Dr. Peter K. Rogan Lab, Western University
No classification provided (evidence only). Condition: Gastric cancer. Review status: no classification provided. Collection method: in vitro. Allele origin: not applicable. Functional consequence: retained intron. Not counted in ClinVar's aggregate classification.

Dr. Peter K. Rogan Lab, Western University
No classification provided (evidence only). Condition: Gastric cancer. Review status: no classification provided. Collection method: in vitro. Allele origin: not applicable. Functional consequence: retained intron. Not counted in ClinVar's aggregate classification.

Dr. Peter K. Rogan Lab, Western University
No classification provided (evidence only). Condition: Uterine carcinosarcoma. Review status: no classification provided. Collection method: in vitro. Allele origin: not applicable. Functional consequence: retained intron. Not counted in ClinVar's aggregate classification.

Dr. Peter K. Rogan Lab, Western University
No classification provided (evidence only). Condition: Malignant tumor of esophagus. Review status: no classification provided. Collection method: in vitro. Allele origin: not applicable. Functional consequence: retained intron. Not counted in ClinVar's aggregate classification.

NM_018993.4(RIN2):c.2389G>C (p.Glu797Gln)

Gene: RIN2 (Ras and Rab interactor 2; plus strand). Cytogenetic location: 20p11.23.
Variant type: single nucleotide variant.
Coding change: c.2389G>C on transcript NM_018993.4 (MANE Select); coding-DNA position 2389, G replaced by C.
Protein change: p.Glu797Gln; replaces glutamic acid 797 with glutamine.
Molecular consequence: missense variant.
Genome position (GRCh38, 1-based): chr20:20,000,637, G>C. VCF-style: chr20-20000637-G-C. GRCh37 (hg19) VCF-style: chr20-19981281-G-C.
Other names: c.2389G>C (NM_018993.3); c.2536G>C, p.Glu846Gln (NM_001242581.2); c.1771G>C, p.Glu591Gln (NM_001378238.1); short protein forms E846Q, E591Q, E797Q.
Identifiers: ClinVar variation 3711855 (VCV003711855.3).